The following is an entry in ClinVar:

ClinVar aggregate classification (germline): Conflicting classifications of pathogenicity. Review status: criteria provided, conflicting classifications (1 of 4 stars). 8 submissions from 8 submitters: Uncertain significance (7); Benign (1). Last evaluated 2026-07-14.

Conditions:
Hereditary cancer-predisposing syndrome. Also called: Neoplastic Syndromes, Hereditary; Hereditary neoplastic syndrome; Hereditary Cancer Syndrome; Tumor predisposition. Identifiers: Orphanet 140162, MedGen C0027672, MeSH D009386, MONDO:0015356.
Tuberous sclerosis 2 (TSC2). Identifiers: Orphanet 805, MedGen C1860707, MONDO:0013199, OMIM 613254.
Lymphangiomyomatosis (LAM). Also called: Lymphangioleiomyomatosis, somatic; Lymphangioleiomyomatosis. Identifiers: Orphanet 538, MedGen C0751674, MONDO:0011705, OMIM 606690.
Isolated focal cortical dysplasia type II (FCORD2). Also called: CORTICAL DYSPLASIA OF TAYLOR; Focal cortical dysplasia type II. Identifiers: Orphanet 268994, MedGen C1846385, MONDO:0011818, OMIM 607341, HP:0032051.
Tuberous sclerosis syndrome (TSC). Also called: Tuberous Sclerosis Complex; Tuberous sclerosis. Identifiers: Orphanet 805, MedGen C0041341, MONDO:0001734.

Allele frequency attached by ClinVar (database versions not stated): gnomAD exomes below 0.00001 and 0.00004; gnomAD 0.00002; TOPMed 0.00002.
gnomAD v4.1: 53 of 1,612,268 alleles (0.0033%); highest among the groups gnomAD compares: Non-Finnish European, 0.0042%; no homozygotes.

Submissions (8):

Ambry Genetics
Classification: Uncertain significance for Hereditary cancer-predisposing syndrome. Last evaluated: 2026-07-14. Review status: criteria provided, single submitter. Criteria: Ambry Variant Classification Scheme 2023. Collection method: clinical testing. Allele origin: germline.
Comment: The c.3802C>T (p.R1268C) alteration is located in exon 31 (coding exon 30) of the TSC2 gene. This alteration results from a C to T substitution at nucleotide position 3802, causing the arginine (R) at amino acid position 1268 to be replaced by a cysteine (C). Based on data from gnomAD, the T allele has an overall frequency of <0.001% (1/249694) total alleles studied. The highest observed frequency was <0.001% (/) of alleles. Based on insufficient or conflicting evidence, the clinical significance of this alteration remains unclear.

Labcorp Genetics (formerly Invitae), Labcorp
Classification: Benign for Tuberous sclerosis 2. Last evaluated: 2025-10-07. Review status: criteria provided, single submitter. Criteria: Invitae Variant Classification Sherloc (09022015). Collection method: clinical testing. Allele origin: germline.

Color Diagnostics, LLC DBA Color Health
Classification: Uncertain significance for Tuberous sclerosis syndrome. Last evaluated: 2025-09-04. Review status: criteria provided, single submitter. Criteria: ACMG Guidelines, 2015. Collection method: clinical testing. Allele origin: germline.
Comment: This missense variant replaces arginine with cysteine at codon 1268 of the TSC2 protein. Computational prediction is inconclusive regarding the impact of this variant on protein structure and function. To our knowledge, functional studies have not been reported for this variant. This variant has not been reported in individuals affected with TSC2-related disorders in the literature. This variant has been identified in 1/249694 chromosomes in the general population by the Genome Aggregation Database (gnomAD). The available evidence is insufficient to determine the role of this variant in disease conclusively. Therefore, this variant is classified as a Variant of Uncertain Significance.

GeneDx
Classification: Uncertain significance. Last evaluated: 2025-07-18. Review status: criteria provided, single submitter. Criteria: GeneDx Variant Classification Process June 2021. Collection method: clinical testing. Allele origin: germline. Affected: yes.
Comment: In silico analysis supports that this missense variant has a deleterious effect on protein structure/function; Has not been previously published as pathogenic or benign to our knowledge; This variant is associated with the following publications: (PMID: 24425785)

All of Us Research Program, National Institutes of Health
Classification: Uncertain significance for Tuberous sclerosis syndrome. Last evaluated: 2024-01-11. Review status: criteria provided, single submitter. Criteria: ACMG Guidelines, 2015. Collection method: clinical testing. Allele origin: germline. Inheritance: Autosomal dominant inheritance. Observed: 2 variant alleles, 2 heterozygotes.
Comment: This missense variant replaces arginine with cysteine at codon 1268 of the TSC2 protein. Computational prediction is inconclusive regarding the impact of this variant on protein structure and function (internally defined REVEL score threshold 0.5 < inconclusive < 0.7, PMID: 27666373). To our knowledge, functional studies have not been reported for this variant. This variant has not been reported in individuals affected with hereditary cancer in the literature. This variant has been identified in 1/249694 chromosomes in the general population by the Genome Aggregation Database (gnomAD). The available evidence is insufficient to determine the role of this variant in disease conclusively. Therefore, this variant is classified as a Variant of Uncertain Significance.

This study involves interpretation of variants in research participants for the purpose of population health screening. Participant phenotype was not available at the time of variant classification. Additional details can be found in publication PMID: 35346344, PMCID: PMC8962531

Fulgent Genetics
Classification: Uncertain significance for Lymphangiomyomatosis; Isolated focal cortical dysplasia type II; Tuberous sclerosis 2. Last evaluated: 2021-11-08. Review status: criteria provided, single submitter. Criteria: ACMG Guidelines, 2015. Collection method: clinical testing. Allele origin: unknown.

Genome-Nilou Lab
Classification: Uncertain significance for Tuberous sclerosis 2. Last evaluated: 2021-11-07. Review status: criteria provided, single submitter. Criteria: ACMG Guidelines, 2015. Collection method: clinical testing. Allele origin: germline. Affected: no.

Sema4
Classification: Uncertain significance for Hereditary cancer-predisposing syndrome. Last evaluated: 2021-10-31. Review status: criteria provided, single submitter. Criteria: Sema4 Curation Guidelines. Collection method: curation. Allele origin: germline.
Comment: To the best of our knowledge, the TSC2 c.3802C>T (p.R1268C) variant has not been reported in individuals with TSC2-related disease. This variant was observed in a total of 1/249694 chromosomes in the large and broad cohorts of the Genome Aggregation Database (PMID: 32461654). This variant has been reported in ClinVar (Variation ID: 486637). Functional studies have not been performed, and in silico predictions of the variant's effect on protein function are inconclusive. The evidence is insufficient to meet ACMG/AMP criteria for classifying the variant as benign or pathogenic. Thus, the clinical significance of this variant is currently uncertain.

NM_000548.5(TSC2):c.3802C>T (p.Arg1268Cys)

Gene: TSC2 (TSC complex subunit 2; plus strand). Cytogenetic location: 16p13.3.
Variant type: single nucleotide variant.
Coding change: c.3802C>T on transcript NM_000548.5 (MANE Select); coding-DNA position 3802, C replaced by T.
Protein change: p.Arg1268Cys; replaces arginine 1268 with cysteine.
Molecular consequence: missense variant.
Genome position (GRCh38, 1-based): chr16:2,081,786, C>T. VCF-style: chr16-2081786-C-T. GRCh37 (hg19) VCF-style: chr16-2131787-C-T.
Other names: c.3670C>T, p.Arg1224Cys (NM_001077183.3, NM_001370404.1); c.3802C>T, p.Arg1268Cys (NM_001114382.3); c.3562C>T, p.Arg1188Cys (NM_001318827.2); c.3526C>T, p.Arg1176Cys (NM_001318829.2); c.3070C>T, p.Arg1024Cys (NM_001318831.2); c.3703C>T, p.Arg1235Cys (NM_001318832.2); c.3673C>T, p.Arg1225Cys (NM_001363528.2, NM_001370405.1, NM_021055.3); short protein forms R1268C, R1176C, R1225C, R1235C, R1188C, R1024C, R1224C.
Identifiers: ClinVar variation 486637 (VCV000486637.24), dbSNP rs1020561347, ClinGen allele CA276750224.